The following is an entry in ClinVar:

ClinVar aggregate classification (germline): Pathogenic. Review status: criteria provided, multiple submitters, no conflicts (2 of 4 stars). 2 submissions from 2 submitters: Pathogenic (2). Last evaluated 2025-03-26.

Conditions:
Duchenne muscular dystrophy (DMD). Also called: MUSCULAR DYSTROPHY, PSEUDOHYPERTROPHIC PROGRESSIVE, DUCHENNE TYPE; Duchenne Muscular Dystrophy (DMD). Identifiers: Orphanet 98896, MedGen C0013264, MONDO:0010679, OMIM 310200.

Submissions (2):

Labcorp Genetics (formerly Invitae), Labcorp
Classification: Pathogenic for Duchenne muscular dystrophy. Last evaluated: 2025-03-26. Review status: criteria provided, single submitter. Criteria: Invitae Variant Classification Sherloc (09022015). Collection method: clinical testing. Allele origin: germline.
Comment: This sequence change creates a premature translational stop signal (p.Trp2925*) in the DMD gene. It is expected to result in an absent or disrupted protein product. Loss-of-function variants in DMD are known to be pathogenic (PMID: 16770791, 25007885). This variant is not present in population databases (gnomAD no frequency). This premature translational stop signal has been observed in individuals with Duchenne muscular dystrophy (PMID: 17259292, 19937601). ClinVar contains an entry for this variant (Variation ID: 592600). For these reasons, this variant has been classified as Pathogenic.

Eurofins Ntd Llc (ga)
Classification: Pathogenic. Last evaluated: 2017-07-18. Review status: criteria provided, single submitter. Criteria: EGL Classification Definitions 2015. Collection method: clinical testing. Allele origin: germline. Observed: 1 variant allele, 1 heterozygote.

Literature cited by the submitters: PubMed 16770791 (cited by Labcorp Genetics (formerly Invitae), Labcorp); PubMed 25007885 (cited by Labcorp Genetics (formerly Invitae), Labcorp); PubMed 17259292 (cited by Labcorp Genetics (formerly Invitae), Labcorp); PubMed 19937601 (cited by Labcorp Genetics (formerly Invitae), Labcorp).

NM_004006.3(DMD):c.8775G>A (p.Trp2925Ter)

Gene: DMD (dystrophin; minus strand). Cytogenetic location: Xp21.2.
Variant type: single nucleotide variant.
Coding change: c.8775G>A on transcript NM_004006.3 (MANE Select); coding-DNA position 8775, G replaced by A.
Protein change: p.Trp2925Ter; replaces tryptophan 2925 with a stop codon.
Molecular consequence: nonsense.
Genome position (GRCh38, 1-based): chrX:31,478,268, C>T on the plus strand (G>A on the coding strand, the complement: DMD is on the minus strand). VCF-style: chrX-31478268-C-T. GRCh37 (hg19) VCF-style: chrX-31496385-C-T.
Other names: c.8751G>A, p.Trp2917Ter (NM_000109.4); c.8763G>A, p.Trp2921Ter (NM_004009.3); c.8406G>A, p.Trp2802Ter (NM_004010.3); c.4752G>A, p.Trp1584Ter (NM_004011.4); c.4743G>A, p.Trp1581Ter (NM_004012.4); c.1395G>A, p.Trp465Ter (NM_004013.3, NM_004020.4, NM_004021.3 and 2 more transcripts); c.588G>A, p.Trp196Ter (NM_004014.3); short protein forms W2925*, W1581*, W2917*, W196*, W2802*, W2921*, W465*, W1584*.
Identifiers: ClinVar variation 592600 (VCV000592600.16), dbSNP rs868688877, ClinGen allele CA412654184.
Genomic context (GRCh38, chrX:31,478,268, plus strand): 5'-CTCATCCGTGGCCTCTTGAAGTTCCCGGAGTCTTTCAAGGGTCTCATCTATTTTTCTCTG[C>T]CAGTCAGCGGAGTGCAGGTTCAATTTTTCCCACTCAGTATTGACCTCCTCAGCCTGCTTT-3'